The following is an entry in ClinVar:

NM_001370259.2(MEN1):c.673G>A (p.Gly225Arg)

Gene: MEN1 (menin 1; minus strand). Cytogenetic location: 11q13.1.
Variant type: single nucleotide variant.
Coding change: c.673G>A on transcript NM_001370259.2 (MANE Select); coding-DNA position 673, G replaced by A.
Protein change: p.Gly225Arg; replaces glycine 225 with arginine.
Molecular consequence: missense variant.
Genome position (GRCh38, 1-based): chr11:64,807,662, C>T on the plus strand (G>A on the coding strand, the complement: MEN1 is on the minus strand). VCF-style: chr11-64807662-C-T. GRCh37 (hg19) VCF-style: chr11-64575134-C-T.
Other names: c.688G>A, p.Gly230Arg (NM_000244.4, NM_130800.3, NM_130801.3 and 3 more transcripts); c.673G>A, p.Gly225Arg (NM_001370251.2, NM_001370260.2, NM_001370261.2 and 1 more transcripts); c.568G>A, p.Gly190Arg (NM_001370262.2, NM_001370263.2); short protein forms G225R, G230R, G190R.
Identifiers: ClinVar variation 381623 (VCV000381623.7), dbSNP rs1057521110, ClinGen allele CA16605982.

ClinVar aggregate classification (germline): Likely pathogenic. Review status: criteria provided, multiple submitters, no conflicts (2 of 4 stars). 5 submissions from 5 submitters: Likely pathogenic (5). Last evaluated 2025-05-20.

Conditions:
Hereditary cancer-predisposing syndrome. Also called: Hereditary neoplastic syndrome; Tumor predisposition; Neoplastic Syndromes, Hereditary; Hereditary Cancer Syndrome. Identifiers: Orphanet 140162, MedGen C0027672, MeSH D009386, MONDO:0015356.
Multiple endocrine neoplasia, type 1 (MEN1). Also called: MEA I; Endocrine adenomatosis multiple; MEN 1; MEN I; WERMER SYNDROME. Identifiers: Orphanet 652, MedGen C0025267, MeSH D018761, MONDO:0007540, OMIM 131100.

Submissions (5):

Women's Health and Genetics/Laboratory Corporation of America, LabCorp
Classification: Likely pathogenic for Multiple endocrine neoplasia, type 1. Last evaluated: 2025-05-20. Review status: criteria provided, single submitter. Criteria: LabCorp Variant Classification Summary - May 2015. Collection method: clinical testing. Allele origin: germline.
Comment: Variant summary: MEN1 c.673G>A (p.Gly225Arg) results in a non-conservative amino acid change in the encoded protein sequence. Algorithms developed to predict the effect of missense changes on protein structure and function all suggest that this variant is likely to be disruptive. The variant was absent in 251278 control chromosomes. c.673G>A has been observed in the presumed heterozygous state in multiple individual(s) affected with clinical features of Multiple Endocrine Neoplasia Type 1 (example, Hai_1999, Jager_2006, Mizusawa_2006, Erlic_2010, internal data), including at least 1 family where it segregated with disease. These data indicate that the variant is likely to be associated with disease. To our knowledge, no experimental evidence demonstrating an impact on protein function has been reported. The following publications have been ascertained in the context of this evaluation (PMID: 10576763, 16563611, 16817812, 20660572). ClinVar contains an entry for this variant (Variation ID: 381623). Based on the evidence outlined above, the variant was classified as likely pathogenic.

Labcorp Genetics (formerly Invitae), Labcorp
Classification: Likely pathogenic for Multiple endocrine neoplasia, type 1. Last evaluated: 2025-04-06. Review status: criteria provided, single submitter. Criteria: Invitae Variant Classification Sherloc (09022015). Collection method: clinical testing. Allele origin: germline.
Comment: This sequence change replaces glycine, which is neutral and non-polar, with arginine, which is basic and polar, at codon 225 of the MEN1 protein (p.Gly225Arg). This variant is not present in population databases (gnomAD no frequency). This missense change has been observed in individual(s) with hypoparathyroidism, multiple endocrine neoplasia type 1, and/or neuroendocrine tumors (PMID: 10576763, 16563611, 16817812, 20660572). ClinVar contains an entry for this variant (Variation ID: 381623). Invitae Evidence Modeling of protein sequence and biophysical properties (such as structural, functional, and spatial information, amino acid conservation, physicochemical variation, residue mobility, and thermodynamic stability) indicates that this missense variant is expected to disrupt MEN1 protein function with a positive predictive value of 95%. In summary, the currently available evidence indicates that the variant is pathogenic, but additional data are needed to prove that conclusively. Therefore, this variant has been classified as Likely Pathogenic.

Ambry Genetics
Classification: Likely pathogenic for Hereditary cancer-predisposing syndrome. Last evaluated: 2024-10-19. Review status: criteria provided, single submitter. Criteria: Ambry Variant Classification Scheme 2023. Collection method: clinical testing. Allele origin: germline.
Comment: The p.G225R variant (also known as c.673G>A), located in coding exon 3 of the MEN1 gene, results from a G to A substitution at nucleotide position 673. The glycine at codon 225 is replaced by arginine, an amino acid with dissimilar properties. This variant was reported in multiple individuals who had clinical features of multiple endocrine neoplasia type 1 (MEN1) (Ambry internal data; Hai N et al. Eur J Endocrinol, 1999 Nov;141:475-80; J&auml;ger AC et al. Mol Cell Endocrinol, 2006 Apr;249:123-32; Mizusawa N et al. Clin Endocrinol (Oxf), 2006 Jul;65:9-16). Of note, this alteration is also known as 783G>A in published literature. This amino acid position is highly conserved in available vertebrate species. In addition, this alteration is predicted to be deleterious by in silico analysis. This variant is considered to be rare based on population cohorts in the Genome Aggregation Database (gnomAD). Based on the majority of available evidence to date, this variant is likely to be pathogenic.

Myriad Genetics, Inc.
Classification: Likely pathogenic for Multiple endocrine neoplasia, type 1. Last evaluated: 2024-02-08. Review status: criteria provided, single submitter. Criteria: Myriad Autosomal Dominant, Autosomal Recessive and X-Linked Classification Criteria (2023). Collection method: clinical testing. Allele origin: unknown.
Comment: This variant is considered likely pathogenic. This variant has been reported in multiple individuals with clinical features of gene-specific disease [PMID: 10576763, 16817812, 16563611; Myriad internal data].

GeneDx
Classification: Likely pathogenic. Last evaluated: 2016-10-04. Review status: criteria provided, single submitter. Criteria: GeneDx Variant Classification (06012015). Collection method: clinical testing. Allele origin: germline. Affected: yes.
Comment: The G225R variant in the MEN1 gene has previously been reported in association with multiple endocrine neoplasia type 1 and familial isolated hyperparathyroidism (for examples, see Hai et al., 1999; Jager et al., 2006; Mizusawa et al., 2006). This variant was not observed in approximately 6,500 individuals of European and African American ancestry in the NHLBI Exome Sequencing Project, indicating it is not a common benign variant in these populations. The G225R variant is a non-conservative amino acid substitution, which is likely to impact secondary protein structure as these residues differ in polarity, charge, size and/or other properties. This substitution occurs at a position that is conserved across species, and is located within the MEN1-FANC2 region of interaction (Jin et al., 2003). In silico analysis predicts G225R is probably damaging to the protein structure/function. Based on currently available evidence, G225R is a strong candidate for a pathogenic variant. However, the likelihood that it is a rare benign variant cannot be excluded.

Literature cited by the submitters: PubMed 10576763 (cited by 4 submitters); PubMed 16563611 (cited by 4 submitters); PubMed 16817812 (cited by 4 submitters); PubMed 20660572 (cited by Women's Health and Genetics/Laboratory Corporation of America, LabCorp and Labcorp Genetics (formerly Invitae), Labcorp).